The following is an entry in ClinVar:

ClinVar aggregate classification (germline): Likely benign (1 of 4 stars; one submission).

gnomAD v4.1: 6 of 1,613,174 alleles (0.00037%); highest among the groups gnomAD compares: Non-Finnish European, 0.00051%; no homozygotes.

Submission:

Women's Health and Genetics/Laboratory Corporation of America, LabCorp
Classification: Likely benign. Last evaluated: 2025-05-06. Review status: criteria provided, single submitter. Criteria: LabCorp Variant Classification Summary - May 2015. Collection method: clinical testing. Allele origin: germline.
Comment: Variant summary: GLI2 c.405C>T alters a conserved nucleotide resulting in a synonymous change. Consensus agreement among computation tools predict no significant impact on normal splicing. However, these predictions have yet to be confirmed by functional studies. The variant allele was found at a frequency of 4e-06 in 251182 control chromosomes. The available data on variant occurrences in the general population are insufficient to allow any conclusion about variant significance. To our knowledge, no occurrence of c.405C>T in individuals affected with GLI2-Related Disorders and no experimental evidence demonstrating its impact on protein function have been reported. No submitters have cited clinical-significance assessments for this variant to ClinVar. Based on the evidence outlined above, the variant was classified as likely benign.

NM_001374353.1(GLI2):c.405C>T (p.Ser135=)

Gene: GLI2 (GLI family zinc finger 2; plus strand). Cytogenetic location: 2q14.2.
Variant type: single nucleotide variant.
Coding change: c.405C>T on transcript NM_001374353.1 (MANE Select); coding-DNA position 405, C replaced by T.
Protein change: p.Ser135=; no amino-acid change (serine 135 retained).
Molecular consequence: synonymous variant.
Genome position (GRCh38, 1-based): chr2:120,951,393, C>T. VCF-style: chr2-120951393-C-T. GRCh37 (hg19) VCF-style: chr2-121708969-C-T.
Other names: c.405C>T, p.Ser135= (NM_001371271.1, NM_005270.5); c.30C>T, p.Ser10= (NM_001374354.1).
Identifiers: ClinVar variation 3902477 (VCV003902477.1).